The following is an entry in ClinVar:

ClinVar aggregate classification (germline): Benign (0 of 4 stars; one submission).

Conditions:
PRDM6-related disorder. Also called: PRDM6-related condition.

Allele frequency attached by ClinVar (database versions not stated): 1000 Genomes Project 0.22185; 1000 Genomes Project 30x 0.22845; gnomAD 0.31788; TOPMed 0.32193; ExAC 0.25294.
gnomAD v4.1: 526,514 of 1,534,948 alleles (34%); highest among the groups gnomAD compares: Non-Finnish European, 37%; 94,767 homozygotes.

Submission:

PreventionGenetics, part of Exact Sciences
Classification: Benign for PRDM6-related condition. Last evaluated: 2020-08-24. Review status: no assertion criteria provided. Collection method: clinical testing. Allele origin: germline.
Comment: This variant is classified as benign based on ACMG/AMP sequence variant interpretation guidelines (Richards et al. 2015 PMID: 25741868, with internal and published modifications).

NM_001136239.4(PRDM6):c.123G>T (p.Ala41=)

Genes: PRDM6 (PR/SET domain 6; plus strand), PRDM6-AS1 (PRDM6 antisense RNA 1; minus strand). Cytogenetic location: 5q23.2.
Variant type: single nucleotide variant.
Coding change: c.123G>T on transcript NM_001136239.4 (MANE Select); coding-DNA position 123, G replaced by T.
Protein change: p.Ala41=; no amino-acid change (alanine 41 retained).
Molecular consequence: synonymous variant. On other transcripts: non-coding transcript variant (1).
Genome position (GRCh38, 1-based): chr5:123,090,137, G>T. VCF-style: chr5-123090137-G-T. GRCh37 (hg19) VCF-style: chr5-122425832-G-T.
Identifiers: ClinVar variation 3060736 (VCV003060736.2), dbSNP rs13182369, ClinGen allele CA3386287.